The following is an entry in ClinVar:

ClinVar aggregate classification (germline): Benign. Review status: criteria provided, single submitter (1 of 4 stars). 2 submissions from 2 submitters: Benign (1). 1 of the submissions does not count toward it. Last evaluated 2023-12-01.

Conditions:
FMN1-related disorder. Also called: FMN1-related condition.

Allele frequency attached by ClinVar (database versions not stated): ExAC 0.00032; gnomAD 0.00113; TOPMed 0.00116; 1000 Genomes Project 30x 0.00297; 1000 Genomes Project 0.00339.
gnomAD v4.1: 425 of 1,535,918 alleles (0.028%); highest among the groups gnomAD compares: African/African-American, 0.44%; 1 homozygote.

Submissions (2):

CeGaT Center for Human Genetics Tuebingen
Classification: Benign. Last evaluated: 2023-12-01. Review status: criteria provided, single submitter. Criteria: CeGaT Center For Human Genetics Tuebingen Variant Classification Criteria Version 2. Collection method: clinical testing. Allele origin: germline. Affected: yes. Observed: 1 variant allele.
Comment: FMN1: BP4, BS1, BS2

PreventionGenetics, part of Exact Sciences
Classification: Likely benign for FMN1-related condition. Last evaluated: 2019-08-13. Review status: no assertion criteria provided. Collection method: clinical testing. Allele origin: germline. Not counted in ClinVar's aggregate classification.
Comment: This variant is classified as likely benign based on ACMG/AMP sequence variant interpretation guidelines (Richards et al. 2015 PMID: 25741868, with internal and published modifications).

NM_001277313.2(FMN1):c.1945G>A (p.Ala649Thr)

Gene: FMN1 (formin 1; minus strand). Cytogenetic location: 15q13.3.
Variant type: single nucleotide variant.
Coding change: c.1945G>A on transcript NM_001277313.2 (MANE Select); coding-DNA position 1945, G replaced by A.
Protein change: p.Ala649Thr; replaces alanine 649 with threonine.
Molecular consequence: missense variant.
Genome position (GRCh38, 1-based): chr15:33,088,897, C>T on the plus strand (G>A on the coding strand, the complement: FMN1 is on the minus strand). VCF-style: chr15-33088897-C-T. GRCh37 (hg19) VCF-style: chr15-33381098-C-T.
Other names: c.1945G>A (NM_001277313.1); short protein forms A649T.
Identifiers: ClinVar variation 3025602 (VCV003025602.23), dbSNP rs188149274, ClinGen allele CA7457485.